The following is an entry in ClinVar:

ClinVar aggregate classification (germline): Likely pathogenic. Review status: criteria provided, multiple submitters, no conflicts (2 of 4 stars). 4 submissions from 4 submitters: Likely pathogenic (4). Last evaluated 2021-11-03.

Conditions:
FBXL4-related disorder. Also called: FBXL4-related condition.
Mitochondrial DNA depletion syndrome 13. Also called: Mitochondrial DNA depletion syndrome 13 (encephalomyopathic type); FBXL4-Related Encephalomyopathic Mitochondrial DNA Depletion Syndrome. Identifiers: Orphanet 369897, MedGen C3809592, MONDO:0014198, OMIM 615471.

Allele frequency attached by ClinVar (database versions not stated): gnomAD exomes below 0.00001 and 0.00001; TOPMed below 0.00001.
gnomAD v4.1: 14 of 1,614,192 alleles (0.00087%); highest among the groups gnomAD compares: Non-Finnish European, 0.0011%; no homozygotes.

Submissions (4):

Institute for Clinical Genetics, University Hospital TU Dresden, University Hospital TU Dresden
Classification: Likely pathogenic. Last evaluated: 2021-11-03. Review status: criteria provided, single submitter. Criteria: ACMG Guidelines, 2015. Collection method: clinical testing. Allele origin: germline.

Blueprint Genetics
Classification: Likely pathogenic for FBXL4-related disorders. Last evaluated: 2020-08-31. Review status: criteria provided, single submitter. Criteria: ACMG Guidelines, 2015. Collection method: clinical testing. Allele origin: germline. Affected: yes. Observed: 1 variant allele.

Institute of Human Genetics Munich, TUM University Hospital
Classification: Likely pathogenic for Mitochondrial DNA depletion syndrome 13. Last evaluated: 2017-11-16. Review status: criteria provided, single submitter. Criteria: Classification criteria August 2017. Collection method: clinical testing. Allele origin: inherited. Inheritance: Autosomal recessive inheritance. Affected: yes. Observed: 1 homozygote.

Wong Mito Lab, Molecular and Human Genetics, Baylor College of Medicine
Classification: Likely pathogenic for Mitochondrial DNA depletion syndrome 13. Last evaluated: 2017-08-10. Review status: criteria provided, single submitter. Criteria: ACMG Guidelines, 2015. Collection method: clinical testing. Allele origin: germline. Affected: yes.
Comment: The NM_012160.4:c.1540T>G (NP_036292.2:p.Trp514Gly) [GRCH38: NC_000006.12:g.98875577A>C] variant in FBXL4 gene is interpretated to be a Likely Pathogenic based on ACMG guidelines (PMID: 25741868). This variant meets one or more of the following evidence codes reported in the ACMG-guideline. PM2:This variant is absent in key population databases. PM3:Detected in trans with a pathogenic variant for Mitochondrial DNA depletion syndrome 13 which is a recessive disorder. PP2:This is a missense variant in FBXL4 with a low rate of benign and high rate of pathogenic missense variations. PP4:Patientâ€™s phenotype or family history is highly specific for FBXL4. Based on this evidence code ClinGen Pathogenicity Calculator (PMID:28081714) suggested that the variant is Likely Pathogenic.

NM_001278716.2(FBXL4):c.1540T>G (p.Trp514Gly)

Gene: FBXL4 (F-box and leucine rich repeat protein 4; minus strand). Cytogenetic location: 6q16.1.
Variant type: single nucleotide variant.
Coding change: c.1540T>G on transcript NM_001278716.2 (MANE Select); coding-DNA position 1540, T replaced by G.
Protein change: p.Trp514Gly; replaces tryptophan 514 with glycine.
Molecular consequence: missense variant. On other transcripts: non-coding transcript variant (1).
Genome position (GRCh38, 1-based): chr6:98,875,577, A>C on the plus strand (T>G on the coding strand, the complement: FBXL4 is on the minus strand). VCF-style: chr6-98875577-A-C. GRCh37 (hg19) VCF-style: chr6-99323453-A-C.
Other names: c.1540T>G, p.Trp514Gly (NM_012160.5); c.1540T>G (NM_001278716.1); short protein forms W514G.
Identifiers: ClinVar variation 437479 (VCV000437479.8), dbSNP rs1411907961, ClinGen allele CA16021070.
Genomic context (GRCh38, chr6:98,875,577, plus strand): 5'-TTGGGAGCTGGTGTGCCAGTCTGGTGAAGCACCCGGTGCTGCTCTGCAGAGTTGGGCACC[A>C]GCCAAGGTCAAGCTCCTCCAGTAGTGGACACCCAGAAGCCAGTTCTGCTATTCCATTCTC-3'
Protein context (NP_001265645.1, residues 504-524): CPLLEELDLG[Trp514Gly]CPTLQSSTGC